The following is an entry in ClinVar:

NM_015450.3(POT1):c.425C>T (p.Thr142Ile)

Gene: POT1 (protection of telomeres 1; minus strand). Cytogenetic location: 7q31.33.
Variant type: single nucleotide variant.
Coding change: c.425C>T on transcript NM_015450.3 (MANE Select); coding-DNA position 425, C replaced by T.
Protein change: p.Thr142Ile; replaces threonine 142 with isoleucine.
Molecular consequence: missense variant. On other transcripts: non-coding transcript variant (3).
Genome position (GRCh38, 1-based): chr7:124,863,471, G>A on the plus strand (C>T on the coding strand, the complement: POT1 is on the minus strand). VCF-style: chr7-124863471-G-A. GRCh37 (hg19) VCF-style: chr7-124503525-G-A.
Other names: c.32C>T, p.Thr11Ile (NM_001042594.2); short protein forms T142I, T11I.
Identifiers: ClinVar variation 541867 (VCV000541867.9), dbSNP rs1554426922, ClinGen allele CA369059398.
Genomic context (GRCh38, chr7:124,863,471, plus strand): 5'-AAATACTGCATTGGCTGAACATCACACAATTTTAGTAATGTCCAAGACGGTGACATATGA[G>A]TAGATGCCCAAACACGTAAGGCTTCTACCATTTTGTGGTCCTCAGTAGTGAAGTTAAAAT-3'
Protein context (NP_056265.2, residues 132-152): MVEALRVWAS[Thr142Ile]HMSPSWTLLK

ClinVar aggregate classification (germline): Uncertain significance (1 of 4 stars; one submission).

Conditions:
Tumor predisposition syndrome 3 (TPDS3). Also called: Glioma susceptibility 9; LONG TELOMERE SYNDROME, POT1-RELATED; POT1 Tumor Predisposition; Melanoma, cutaneous malignant, susceptibility to, 10. Identifiers: Orphanet 618, MedGen C4014476, MONDO:0014368, OMIM 615848.

Submission:

Labcorp Genetics (formerly Invitae), Labcorp
Classification: Uncertain significance for Tumor predisposition syndrome 3. Last evaluated: 2025-05-26. Review status: criteria provided, single submitter. Criteria: Invitae Variant Classification Sherloc (09022015). Collection method: clinical testing. Allele origin: germline.
Comment: This sequence change replaces threonine, which is neutral and polar, with isoleucine, which is neutral and non-polar, at codon 142 of the POT1 protein (p.Thr142Ile). This variant is not present in population databases (gnomAD no frequency). This variant has not been reported in the literature in individuals affected with POT1-related conditions. ClinVar contains an entry for this variant (Variation ID: 541867). Invitae Evidence Modeling of protein sequence and biophysical properties (such as structural, functional, and spatial information, amino acid conservation, physicochemical variation, residue mobility, and thermodynamic stability) indicates that this missense variant is not expected to disrupt POT1 protein function with a negative predictive value of 80%. In summary, the available evidence is currently insufficient to determine the role of this variant in disease. Therefore, it has been classified as a Variant of Uncertain Significance.